The following is an entry in ClinVar:

NM_001844.5(COL2A1):c.343-29_343-25delinsAG

Gene: COL2A1 (collagen type II alpha 1 chain; minus strand). Cytogenetic location: 12q13.11.
Variant type: Indel.
Coding change: c.343-29_343-25delinsAG on transcript NM_001844.5 (MANE Select); 29 bases into the intron before coding-DNA position 343 through 25 bases into the intron before coding-DNA position 343, TTACC replaced by AG.
Molecular consequence: intron variant.
Genome position (GRCh38, 1-based): chr12:47,998,089-47,998,093, GGTAA replaced by CT on the plus strand (TTACC replaced by AG on the coding strand, the reverse complement: COL2A1 is on the minus strand). VCF-style: chr12-47998089-GGTAA-CT. GRCh37 (hg19) VCF-style: chr12-48391872-GGTAA-CT.
Other names: c.136-29_136-25delinsAG (NM_033150.3).
Identifiers: ClinVar variation 5010108 (VCV005010108.1).

ClinVar aggregate classification (germline): Uncertain significance (1 of 4 stars; one submission).

Submission:

GeneDx
Classification: Uncertain significance. Last evaluated: 2026-02-28. Review status: criteria provided, single submitter. Criteria: GeneDx Variant Classification Process June 2021. Collection method: clinical testing. Allele origin: germline.
Comment: In silico analysis supports a deleterious effect on splicing; Has not been previously published as pathogenic or benign to our knowledge